The following is an entry in ClinVar:

ClinVar aggregate classification (germline): Benign/Likely benign. Review status: criteria provided, multiple submitters, no conflicts (2 of 4 stars). 10 submissions from 10 submitters: Benign (7); Likely benign (3). Last evaluated 2026-01-24.

Conditions:
Maturity-onset diabetes of the young (MODY). Also called: Maturity onset diabetes mellitus in young. Identifiers: Orphanet 552, MedGen C0342276, MONDO:0018911, HP:0004904.
Maturity-onset diabetes of the young type 3. Also called: MODY type 3; MODY, type III. Identifiers: Orphanet 552, MedGen C1838100, MeSH C563933, MONDO:0010894, OMIM 600496. Disease mechanism: loss of function.

Allele frequency attached by ClinVar (database versions not stated): ESP Exome Variant Server 0.00023; gnomAD 0.00081 and 0.00121; gnomAD exomes 0.00091; TOPMed 0.00150; 1000 Genomes Project 30x 0.00671; 1000 Genomes Project 0.00719.
gnomAD v4.1: 1,502 of 1,614,156 alleles (0.093%); highest among the groups gnomAD compares: East Asian, 2.9%; 18 homozygotes.

Submissions (10):

Labcorp Genetics (formerly Invitae), Labcorp
Classification: Benign. Last evaluated: 2026-01-24. Review status: criteria provided, single submitter. Criteria: Invitae Variant Classification Sherloc (09022015). Collection method: clinical testing. Allele origin: germline.

Athena Diagnostics
Classification: Benign. Last evaluated: 2025-01-10. Review status: criteria provided, single submitter. Criteria: Athena Diagnostics Criteria. Collection method: clinical testing. Allele origin: unknown.
Comment: The frequency of this variant in the general population is higher than would generally be expected for pathogenic variants in this gene.

Women's Health and Genetics/Laboratory Corporation of America, LabCorp
Classification: Benign. Last evaluated: 2025-01-08. Review status: criteria provided, single submitter. Criteria: LabCorp Variant Classification Summary - May 2015. Collection method: clinical testing. Allele origin: germline.
Comment: Variant summary: HNF1A c.1107+9C>G alters a nucleotide located at a position not widely known to affect splicing. Consensus agreement among computation tools predict no significant impact on normal splicing. However, these predictions have yet to be confirmed by functional studies. The variant allele was found at a frequency of 0.0022 in 251386 control chromosomes in the gnomAD database, including 6 homozygotes. The observed variant frequency is approximately 86.72 fold of the estimated maximal expected allele frequency for a pathogenic variant in HNF1A causing Maturity Onset Diabetes Of The Young 3 phenotype (2.5e-05). c.1107+9C>G has been reported in the literature in individuals affected with Maturity Onset Diabetes Of The Young 3. These data indicate that the variant may be associated with disease. To our knowledge, no experimental evidence demonstrating an impact on protein function has been reported. ClinVar contains an entry for this variant (Variation ID: 36795). Based on the evidence outlined above, the variant was classified as benign.

Blueprint Genetics
Classification: Likely benign. Last evaluated: 2024-11-18. Review status: criteria provided, single submitter. Criteria: ACMG Guidelines, 2015. Collection method: clinical testing. Allele origin: germline.

ARUP Laboratories, Molecular Genetics and Genomics, ARUP Laboratories
Classification: Benign. Last evaluated: 2022-03-09. Review status: criteria provided, single submitter. Criteria: ARUP Molecular Germline Variant Investigation Process 2021. Collection method: clinical testing. Allele origin: germline.

Genetic Services Laboratory, University of Chicago
Classification: Benign. Last evaluated: 2020-07-08. Review status: criteria provided, single submitter. Criteria: ACMG Guidelines, 2015. Collection method: clinical testing. Allele origin: germline. Affected: no.

GeneDx
Classification: Likely benign. Last evaluated: 2019-03-01. Review status: criteria provided, single submitter. Criteria: GeneDx Variant Classification Process June 2021. Collection method: clinical testing. Allele origin: germline. Affected: yes.

Illumina Laboratory Services, Illumina
Classification: Benign for Maturity-onset diabetes of the young type 3. Last evaluated: 2018-01-13. Review status: criteria provided, single submitter. Criteria: ICSL Variant Classification Criteria 13 December 2019. Collection method: clinical testing. Allele origin: germline.
Comment: This variant was observed in the ICSL laboratory as part of a predisposition screen in an ostensibly healthy population. It had not been previously curated by ICSL or reported in the Human Gene Mutation Database (HGMD: prior to June 1st, 2018), and was therefore a candidate for classification through an automated scoring system. Utilizing variant allele frequency, disease prevalence and penetrance estimates, and inheritance mode, an automated score was calculated to assess if this variant is too frequent to cause the disease. Based on the score and internal cut-off values, a variant classified as benign is not then subjected to further curation. The score for this variant resulted in a classification of benign for this disease.

Breakthrough Genomics
Classification: Likely benign. Review status: criteria provided, single submitter. Criteria: ACMG Guidelines, 2015. Collection method: not provided. Allele origin: germline. Inheritance: Autosomal dominant inheritance. Affected: yes.

Clinical Genomics, Uppaluri K&H Personalized Medicine Clinic
Classification: Benign for Maturity-onset diabetes of the young. Review status: criteria provided, single submitter. Criteria: K & H Uppaluri Personalized Medicine Clinic Variant Classification & Assertion Criteria_Updated V.1. Collection method: research. Allele origin: unknown. Inheritance: Autosomal dominant inheritance.
Comment: Mutations in HNF1A gene can predispose to MODY3. It is associated with both micro and macrovascular complications of diabetes, especially cardiovascular complications. Associated with glucosuria. May respond well to sulfonylureas. Sufficient evidence is found to confer the association of this particular variant rs17847497 with MODY3.

Literature cited by the submitters: PubMed 15387959 (cited by Athena Diagnostics); PubMed 28324025 (cited by Athena Diagnostics); PubMed 31333579 (cited by Athena Diagnostics and Clinical Genomics, Uppaluri K&H Personalized Medicine Clinic); PubMed 10588527 (cited by Athena Diagnostics and Women's Health and Genetics/Laboratory Corporation of America, LabCorp); PubMed 10634407 (cited by Athena Diagnostics and Women's Health and Genetics/Laboratory Corporation of America, LabCorp); PubMed 16834925 (cited by Athena Diagnostics and Women's Health and Genetics/Laboratory Corporation of America, LabCorp); PubMed 17407072 (cited by Athena Diagnostics and Women's Health and Genetics/Laboratory Corporation of America, LabCorp); PubMed 18811724 (cited by Athena Diagnostics and Women's Health and Genetics/Laboratory Corporation of America, LabCorp); PubMed 9287053 (cited by Athena Diagnostics and Women's Health and Genetics/Laboratory Corporation of America, LabCorp).

NM_000545.8(HNF1A):c.1107+9C>G

Gene: HNF1A (HNF1 homeobox A; plus strand). Cytogenetic location: 12q24.31.
Variant type: single nucleotide variant.
Coding change: c.1107+9C>G on transcript NM_000545.8 (MANE Select); 9 bases into the intron after coding-DNA position 1107, C replaced by G.
Molecular consequence: intron variant.
Genome position (GRCh38, 1-based): chr12:120,996,422, C>G. VCF-style: chr12-120996422-C-G. GRCh37 (hg19) VCF-style: chr12-121434225-C-G.
Other names: c.1107+9C>G (NM_001306179.2).
Identifiers: ClinVar variation 36795 (VCV000036795.31), dbSNP rs17847497, ClinGen allele CA214256.